The following is an entry in ClinVar:

ClinVar aggregate classification (germline): Conflicting classifications of pathogenicity. Review status: criteria provided, conflicting classifications (1 of 4 stars). 2 submissions from 2 submitters: Uncertain significance (1); Benign (1). Last evaluated 2026-01-07.

Conditions:
Hereditary cancer-predisposing syndrome. Also called: Neoplastic Syndromes, Hereditary; Tumor predisposition; Hereditary Cancer Syndrome; Hereditary neoplastic syndrome. Identifiers: Orphanet 140162, MedGen C0027672, MeSH D009386, MONDO:0015356.
Von Hippel-Lindau syndrome (VHLS). Also called: Von Hippel-Lindau; von Hippel–Lindau syndrome; VHL syndrome. Identifiers: Orphanet 892, MedGen C0019562, MONDO:0008667, OMIM 193300. Disease mechanism: loss of function.
Chuvash polycythemia. Also called: POLYCYTHEMIA, VHL-DEPENDENT. Identifiers: Orphanet 238557, MedGen C1837915, MONDO:0009892, OMIM 263400.

Submissions (2):

Ambry Genetics
Classification: Benign for Hereditary cancer-predisposing syndrome. Last evaluated: 2026-01-07. Review status: criteria provided, single submitter. Criteria: Ambry Variant Classification Scheme 2023. Collection method: clinical testing. Allele origin: germline.

Labcorp Genetics (formerly Invitae), Labcorp
Classification: Uncertain significance for Von Hippel-Lindau syndrome; Chuvash polycythemia. Last evaluated: 2022-11-29. Review status: criteria provided, single submitter. Criteria: Invitae Variant Classification Sherloc (09022015). Collection method: clinical testing. Allele origin: germline.
Comment: This sequence change replaces aspartic acid, which is acidic and polar, with asparagine, which is neutral and polar, at codon 92 of the VHL protein (p.Asp92Asn). This variant is not present in population databases (gnomAD no frequency). This variant has not been reported in the literature in individuals affected with VHL-related conditions. ClinVar contains an entry for this variant (Variation ID: 1471706). Algorithms developed to predict the effect of missense changes on protein structure and function (SIFT, PolyPhen-2, Align-GVGD) all suggest that this variant is likely to be tolerated. In summary, the available evidence is currently insufficient to determine the role of this variant in disease. Therefore, it has been classified as a Variant of Uncertain Significance.

NM_000551.4(VHL):c.274G>A (p.Asp92Asn)

Gene: VHL (von Hippel-Lindau tumor suppressor; plus strand). Cytogenetic location: 3p25.3.
Variant type: single nucleotide variant.
Coding change: c.274G>A on transcript NM_000551.4 (MANE Select); coding-DNA position 274, G replaced by A.
Protein change: p.Asp92Asn; replaces aspartic acid 92 with asparagine.
Molecular consequence: missense variant.
Genome position (GRCh38, 1-based): chr3:10,142,121, G>A. VCF-style: chr3-10142121-G-A. GRCh37 (hg19) VCF-style: chr3-10183805-G-A.
Other names: c.274G>A, p.Asp92Asn (NM_001354723.2, NM_198156.3); c.274G>A (NM_000551.3); short protein forms D92N.
Identifiers: ClinVar variation 1471706 (VCV001471706.9), dbSNP rs587780731, ClinGen allele CA351750750.